The following is an entry in ClinVar:

NM_000532.5(PCCB):c.1589C>T (p.Pro530Leu)

Gene: PCCB (propionyl-CoA carboxylase subunit beta; plus strand). Cytogenetic location: 3q22.3.
Variant type: single nucleotide variant.
Coding change: c.1589C>T on transcript NM_000532.5 (MANE Select); coding-DNA position 1589, C replaced by T.
Protein change: p.Pro530Leu; replaces proline 530 with leucine.
Molecular consequence: missense variant.
Genome position (GRCh38, 1-based): chr3:136,329,995, C>T. VCF-style: chr3-136329995-C-T. GRCh37 (hg19) VCF-style: chr3-136048837-C-T.
Other names: c.1649C>T, p.Pro550Leu (NM_001178014.2); short protein forms P530L, P550L.
Identifiers: ClinVar variation 3381263 (VCV003381263.1).

ClinVar aggregate classification (germline): Uncertain significance (1 of 4 stars; one submission).

gnomAD v4.1: 6 of 1,614,144 alleles (0.00037%); highest among the groups gnomAD compares: South Asian, 0.0011%; no homozygotes.

Submission:

GeneDx
Classification: Uncertain significance. Last evaluated: 2024-05-24. Review status: criteria provided, single submitter. Criteria: GeneDx Variant Classification Process June 2021. Collection method: clinical testing. Allele origin: germline. Affected: yes.
Comment: Not observed at significant frequency in large population cohorts (gnomAD); In silico analysis supports that this missense variant has a deleterious effect on protein structure/function; Has not been previously published as pathogenic or benign to our knowledge